The following is an entry in ClinVar:

ClinVar aggregate classification (germline): Uncertain significance (1 of 4 stars; one submission).

Allele frequency attached by ClinVar (database versions not stated): TOPMed below 0.00001; gnomAD 0.00001.
gnomAD v4.1: 5 of 1,595,798 alleles (0.00031%); highest among the groups gnomAD compares: Non-Finnish European, 0.00043%; no homozygotes.

Submission:

Labcorp Genetics (formerly Invitae), Labcorp
Classification: Uncertain significance. Last evaluated: 2024-10-17. Review status: criteria provided, single submitter. Criteria: Invitae Variant Classification Sherloc (09022015). Collection method: clinical testing. Allele origin: germline.
Comment: This sequence change falls in intron 3 of the NSUN3 gene. It does not directly change the encoded amino acid sequence of the NSUN3 protein. It affects a nucleotide within the consensus splice site. This variant is not present in population databases (gnomAD no frequency). This variant has not been reported in the literature in individuals affected with NSUN3-related conditions. Variants that disrupt the consensus splice site are a relatively common cause of aberrant splicing (PMID: 17576681, 9536098). Algorithms developed to predict the effect of sequence changes on RNA splicing suggest that this variant is not likely to affect RNA splicing. In summary, the available evidence is currently insufficient to determine the role of this variant in disease. Therefore, it has been classified as a Variant of Uncertain Significance.

Literature cited by the submitters: PubMed 17576681; PubMed 9536098.

NM_022072.5(NSUN3):c.466+5T>C

Gene: NSUN3 (NOP2/Sun RNA methyltransferase 3; plus strand). Cytogenetic location: 3q11.2.
Variant type: single nucleotide variant.
Coding change: c.466+5T>C on transcript NM_022072.5 (MANE Select); 5 bases into the intron after coding-DNA position 466, T replaced by C.
Molecular consequence: intron variant.
Genome position (GRCh38, 1-based): chr3:94,084,455, T>C. VCF-style: chr3-94084455-T-C. GRCh37 (hg19) VCF-style: chr3-93803299-T-C.
Identifiers: ClinVar variation 3010047 (VCV003010047.3), dbSNP rs775345586, ClinGen allele CA1050965086.